The following is an entry in ClinVar:

NC_000002.11:g.(?_17034358)_(17963206_?)del

Genes: GEN1 (GEN1 Holliday junction 5' flap endonuclease; plus strand), RAD51AP2 (RAD51 associated protein 2; minus strand), SMC6 (structural maintenance of chromosomes 6; minus strand), VSNL1 (visinin like 1; plus strand). Cytogenetic location: 2p24.2.
Variant type: Deletion.
Identifiers: ClinVar variation 2427589 (VCV002427589.4).

ClinVar aggregate classification (germline): Uncertain significance (1 of 4 stars; one submission).

Submission:

Labcorp Genetics (formerly Invitae), Labcorp
Classification: Uncertain significance. Last evaluated: 2022-01-23. Review status: criteria provided, single submitter. Criteria: Invitae Variant Classification Sherloc (09022015). Collection method: clinical testing. Allele origin: germline.
Comment: In summary, the available evidence is currently insufficient to determine the role of this variant in disease. Therefore, it has been classified as a Variant of Uncertain Significance. This variant has not been reported in the literature in individuals affected with GEN1-related conditions. A gross deletion of the genomic region encompassing the full coding sequence of the GEN1 gene has been identified. The current clinical and genetic evidence is not sufficient to establish whether loss-of-function variants in GEN1 cause disease. The boundaries of this event are unknown as they extend beyond the assayed region for this gene and therefore may encompass additional genes.